The following is an entry in ClinVar:

NM_002230.4(JUP):c.1762C>G (p.Leu588Val)

Gene: JUP (junction plakoglobin; minus strand). Cytogenetic location: 17q21.2.
Variant type: single nucleotide variant.
Coding change: c.1762C>G on transcript NM_002230.4 (MANE Select); coding-DNA position 1762, C replaced by G.
Protein change: p.Leu588Val; replaces leucine 588 with valine.
Molecular consequence: missense variant.
Genome position (GRCh38, 1-based): chr17:41,758,410, G>C on the plus strand (C>G on the coding strand, the complement: JUP is on the minus strand). VCF-style: chr17-41758410-G-C. GRCh37 (hg19) VCF-style: chr17-39914662-G-C.
Other names: c.1762C>G, p.Leu588Val (NM_001352773.2, NM_001352774.2, NM_001352775.2 and 3 more transcripts); short protein forms L588V.
Identifiers: ClinVar variation 2933113 (VCV002933113.3), dbSNP rs781900856, ClinGen allele CA399492786.
Genomic context (GRCh38, chr17:41,758,410, plus strand): 5'-TTTAAGCAGTGGTGGGGGGACCTCTCCTGCCCACCTGCCCCAGACTCACCTGCACAAACA[G>C]GGGAATGGTGTTGAGCCGGAAGATCTCCATGCGGTTCATGGGGTCCCGGGCGAGGATGTG-3'
Protein context (NP_002221.1, residues 578-598): MEIFRLNTIP[Leu588Val]FVQLLYSSVE

ClinVar aggregate classification (germline): Uncertain significance (1 of 4 stars; one submission).

Conditions:
Naxos disease (NXD). Also called: KERATOSIS PALMOPLANTARIS WITH ARRHYTHMOGENIC CARDIOMYOPATHY; MAL DE NAXOS; PALMOPLANTAR KERATODERMA WITH ARRHYTHMOGENIC RIGHT VENTRICULAR CARDIOMYOPATHY AND WOOLLY HAIR; WOOLLY HAIR, PALMOPLANTAR KERATODERMA, AND CARDIAC ABNORMALITIES; CARDIOMYOPATHY, ARRHYTHMOGENIC RIGHT VENTRICULAR, WITH SKIN, HAIR, AND NAIL ABNORMALITIES. Identifiers: Orphanet 34217, MedGen C1832600, MONDO:0011017, OMIM 601214.
Arrhythmogenic right ventricular dysplasia 12. Also called: ARRHYTHMOGENIC RIGHT VENTRICULAR DYSPLASIA, FAMILIAL, 12. Identifiers: MedGen C1969081, MONDO:0012684, OMIM 611528.

Submission:

Labcorp Genetics (formerly Invitae), Labcorp
Classification: Uncertain significance for Arrhythmogenic right ventricular dysplasia 12; Naxos disease. Last evaluated: 2023-03-21. Review status: criteria provided, single submitter. Criteria: Invitae Variant Classification Sherloc (09022015). Collection method: clinical testing. Allele origin: germline.
Comment: This sequence change replaces leucine, which is neutral and non-polar, with valine, which is neutral and non-polar, at codon 588 of the JUP protein (p.Leu588Val). This variant is not present in population databases (gnomAD no frequency). This variant has not been reported in the literature in individuals affected with JUP-related conditions. An algorithm developed to predict the effect of missense changes on protein structure and function (PolyPhen-2) suggests that this variant is likely to be tolerated. In summary, the available evidence is currently insufficient to determine the role of this variant in disease. Therefore, it has been classified as a Variant of Uncertain Significance.